The following is an entry in ClinVar:

ClinVar aggregate classification (germline): Uncertain significance (1 of 4 stars; one submission).

Conditions:
TNF receptor-associated periodic fever syndrome (TRAPS) (FPF). Also called: TNF RECEPTOR-ASSOCIATED PERIODIC SYNDROME; TUMOR NECROSIS FACTOR RECEPTOR-ASSOCIATED PERIODIC SYNDROME; Autosomal Dominant Familial Periodic Fever; TNF Receptor-Associated Periodic Fever Syndrome; TNF receptor 1-associated periodic fever syndrome; FAMILIAL HIBERNIAN FEVER. Identifiers: Orphanet 32960, MedGen C1275126, MONDO:0007727, OMIM 142680.

Submission:

Labcorp Genetics (formerly Invitae), Labcorp
Classification: Uncertain significance for TNF receptor-associated periodic fever syndrome (TRAPS). Last evaluated: 2022-06-22. Review status: criteria provided, single submitter. Criteria: Invitae Variant Classification Sherloc (09022015). Collection method: clinical testing. Allele origin: germline.
Comment: In summary, the available evidence is currently insufficient to determine the role of this variant in disease. Therefore, it has been classified as a Variant of Uncertain Significance. Algorithms developed to predict the effect of sequence changes on RNA splicing suggest that this variant may create or strengthen a splice site. This variant has not been reported in the literature in individuals affected with TNFRSF1A-related conditions. This sequence change falls in intron 4 of the TNFRSF1A gene. It does not directly change the encoded amino acid sequence of the TNFRSF1A protein. This variant is present in population databases (no rsID available, gnomAD 0.006%).

NM_001065.4(TNFRSF1A):c.473-36_473-15dup

Gene: TNFRSF1A (TNF receptor superfamily member 1A; minus strand). Cytogenetic location: 12p13.31.
Variant type: Duplication.
Coding change: c.473-36_473-15dup on transcript NM_001065.4 (MANE Select); 36 bases into the intron before coding-DNA position 473 through 15 bases into the intron before coding-DNA position 473, 22 bases duplicated (GCTTCTCCTTTAGCTGTGCCGC).
Molecular consequence: intron variant.
Genome position (GRCh38, 1-based): chr12:6,333,162-6,333,183, GCGGCACAGCTAAAGGAGAAGC duplicated on the plus strand (GCTTCTCCTTTAGCTGTGCCGC on the coding strand, the reverse complement: TNFRSF1A is on the minus strand); duplicating any 22 consecutive bases within chr12:6,333,162-6,333,185 gives the same sequence; the c. name uses the placement nearest the transcript's 3' end. VCF-style (leftmost placement, unchanged base first): chr12-6333161-T-TGCGGCACAGCTAAAGGAGAAGC. GRCh37 (hg19) VCF-style: chr12-6442327-T-TGCGGCACAGCTAAAGGAGAAGC.
Other names: c.149-36_149-15dup (NM_001346091.2); c.-105-36_-105-15dup (NM_001346092.2).
Identifiers: ClinVar variation 1357763 (VCV001357763.8), dbSNP rs1319256929, ClinGen allele CA603109493.